The following is an entry in ClinVar:

NM_001267550.2(TTN):c.87988del (p.Val29330fs)

Genes: TTN (titin; minus strand), TTN-AS1 (TTN antisense RNA 1; plus strand). Cytogenetic location: 2q31.2.
Variant type: Deletion.
Coding change: c.87988del on transcript NM_001267550.2 (MANE Select); coding-DNA position 87988, one base deleted (G; older notation c.87988delG).
Protein change: p.Val29330fs; shifts the reading frame from valine 29330.
Molecular consequence: frameshift variant.
Genome position (GRCh38, 1-based): chr2:178,557,274, C deleted on the plus strand (G on the coding strand, the reverse complement: TTN is on the minus strand). VCF-style (leftmost placement, unchanged base first): chr2-178557273-AC-A. GRCh37 (hg19) VCF-style: chr2-179422000-AC-A.
Other names: c.83065del, p.Val27689fs (NM_001256850.1); c.60793del, p.Val20265fs (NM_003319.4); c.80284del, p.Val26762fs (NM_133378.4); c.61168del, p.Val20390fs (NM_133432.3); c.61369del, p.Val20457fs (NM_133437.4); c.60793delG (NM_003319.4); short protein forms V20265fs, V20390fs, V20457fs, V26762fs, V27689fs, V29330fs.
Identifiers: ClinVar variation 4866224 (VCV004866224.1).
Genomic context (GRCh38, chr2:178,557,273, plus strand): 5'-TTTTGTTATCAGAACTGCCCTTCCCATGACAAATACGTACCACAAGCATCAATTGCCAAG[AC>A]TGGTTCAGAAGGATGGCTAGGTTTTCCAACTCCAGCAGCATTTTCTGCATACACCCTGAA-3'

ClinVar aggregate classification (germline): Likely pathogenic (1 of 4 stars; one submission).

Conditions:
Cardiovascular phenotype. Identifiers: MedGen CN230736.

Submission:

Ambry Genetics
Classification: Likely pathogenic for Cardiovascular phenotype. Last evaluated: 2026-05-11. Review status: criteria provided, single submitter. Criteria: Ambry Variant Classification Scheme 2023. Collection method: clinical testing. Allele origin: germline.
Comment: The c.60793delG variant, located in coding exon 156 of the TTN gene, results from a deletion of one nucleotide at nucleotide position 60793, causing a translational frameshift with a predicted alternate stop codon (p.V20265Sfs*71). This exon is located in the A-band region of the N2-B isoform of the titin protein and is constitutively expressed in TTN transcripts (percent spliced in or PSI 100%). This variant was reported in individual(s) with features consistent with dilated cardiomyopathy (Ambry internal data). This variant is expected to result in loss of function by premature protein truncation or nonsense-mediated mRNA decay. While truncating variants in TTN are present in 1-3% of the general population, truncating variants in the A-band are the most common cause of dilated cardiomyopathy (Herman DS et al. N. Engl. J. Med., 2012 Feb;366:619-28; Roberts AM et al. Sci Transl Med, 2015 Jan;7:270ra6). TTN truncating variants encoded in constitutive exons (PSI >90%) have been found to be significantly associated with DCM regardless of their position in titin (Schafer S et al. Nat. Genet., 2017 01;49:46-53; Akhtar MM et al. Circ Heart Fail, 2020 Oct;13:e006832; Massier M et al. Clin Genet, 2025 Jan). Based on the majority of available evidence to date, this variant is likely to be pathogenic.